The following is an entry in ClinVar:

ClinVar aggregate classification (germline): Uncertain significance (1 of 4 stars; one submission).

Submission:

Labcorp Genetics (formerly Invitae), Labcorp
Classification: Uncertain significance. Last evaluated: 2021-01-22. Review status: criteria provided, single submitter. Criteria: Invitae Variant Classification Sherloc (09022015). Collection method: clinical testing. Allele origin: germline.
Comment: This variant, c.1935_2030del, results in the deletion of 32 amino acid(s) of the SLC25A12 protein (p.Phe646_Thr677del), but otherwise preserves the integrity of the reading frame. This variant is not present in population databases (ExAC no frequency). This variant has not been reported in the literature in individuals with SLC25A12-related conditions. Experimental studies and prediction algorithms are not available or were not evaluated, and the functional significance of this variant is currently unknown. In summary, the available evidence is currently insufficient to determine the role of this variant in disease. Therefore, it has been classified as a Variant of Uncertain Significance.

NM_003705.5(SLC25A12):c.1935_2030del (p.Phe646_Thr677del)

Gene: SLC25A12 (solute carrier family 25 member 12; minus strand). Cytogenetic location: 2q31.1.
Variant type: Deletion.
Coding change: c.1935_2030del on transcript NM_003705.5 (MANE Select); coding-DNA positions 1935 to 2030, 96 bases deleted.
Protein change: p.Phe646_Thr677del.
Molecular consequence: inframe deletion. On other transcripts: non-coding transcript variant (1).
Genome position (GRCh38, 1-based): chr2:171,785,281-171,785,376, 96 bases deleted. GRCh37 (hg19): chr2:172,641,798-172,641,893.
Identifiers: ClinVar variation 1484475 (VCV001484475.8), dbSNP rs2105829329, ClinGen allele CA2573133713.